The following is an entry in ClinVar:

NM_032737.4(LMNB2):c.745C>A (p.Gln249Lys)

Gene: LMNB2 (lamin B2; minus strand). Cytogenetic location: 19p13.3.
Variant type: single nucleotide variant.
Coding change: c.745C>A on transcript NM_032737.4 (MANE Select); coding-DNA position 745, C replaced by A.
Protein change: p.Gln249Lys; replaces glutamine 249 with lysine.
Molecular consequence: missense variant.
Genome position (GRCh38, 1-based): chr19:2,435,111, G>T on the plus strand (C>A on the coding strand, the complement: LMNB2 is on the minus strand). VCF-style: chr19-2435111-G-T. GRCh37 (hg19) VCF-style: chr19-2435109-G-T.
Other names: short protein forms Q249K.
Identifiers: ClinVar variation 1396461 (VCV001396461.8), dbSNP rs752056497, ClinGen allele CA9067769.

ClinVar aggregate classification (germline): Uncertain significance (1 of 4 stars; one submission).

Conditions:
Progressive myoclonic epilepsy type 9. Identifiers: Orphanet 457265, MedGen C4225289, MONDO:0014685, OMIM 616540.
Lipodystrophy, partial, acquired, susceptibility to (APLD). Also called: APLD, SUSCEPTIBILITY TO. Identifiers: MedGen C3887501, MONDO:0100476, OMIM 608709.

Allele frequency attached by ClinVar (database versions not stated): gnomAD exomes below 0.00001 and 0.00001; ExAC 0.00002; TOPMed 0.00002; gnomAD 0.00003.

Submission:

Labcorp Genetics (formerly Invitae), Labcorp
Classification: Uncertain significance for Progressive myoclonic epilepsy type 9; Lipodystrophy, partial, acquired, susceptibility to. Last evaluated: 2021-04-24. Review status: criteria provided, single submitter. Criteria: Invitae Variant Classification Sherloc (09022015). Collection method: clinical testing. Allele origin: germline.
Comment: In summary, the available evidence is currently insufficient to determine the role of this variant in disease. Therefore, it has been classified as a Variant of Uncertain Significance. Algorithms developed to predict the effect of missense changes on protein structure and function (SIFT, PolyPhen-2, Align-GVGD) all suggest that this variant is likely to be tolerated, but these predictions have not been confirmed by published functional studies and their clinical significance is uncertain. This variant has not been reported in the literature in individuals with LMNB2-related conditions. This variant is present in population databases (rs752056497, ExAC 0.02%). This sequence change replaces glutamine with lysine at codon 249 of the LMNB2 protein (p.Gln249Lys). The glutamine residue is highly conserved and there is a small physicochemical difference between glutamine and lysine.